The following is an entry in ClinVar:

NM_001267550.2(TTN):c.5581C>T (p.Arg1861Cys)

Gene: TTN (titin; minus strand). Cytogenetic location: 2q31.2.
Variant type: single nucleotide variant.
Coding change: c.5581C>T on transcript NM_001267550.2 (MANE Select); coding-DNA position 5581, C replaced by T.
Protein change: p.Arg1861Cys; replaces arginine 1861 with cysteine.
Molecular consequence: missense variant.
Genome position (GRCh38, 1-based): chr2:178,776,283, G>A on the plus strand (C>T on the coding strand, the complement: TTN is on the minus strand). VCF-style: chr2-178776283-G-A. GRCh37 (hg19) VCF-style: chr2-179641010-G-A.
Other names: c.5581C>T, p.Arg1861Cys (NM_001256850.1, NM_133378.4, NM_133379.5); c.5443C>T, p.Arg1815Cys (NM_003319.4, NM_133432.3, NM_133437.4); short protein forms R1861C, R1815C.
Identifiers: ClinVar variation 405030 (VCV000405030.5), dbSNP rs532733393, ClinGen allele CA2005162.

ClinVar aggregate classification (germline): Conflicting classifications of pathogenicity. Review status: criteria provided, conflicting classifications (1 of 4 stars). 2 submissions from 2 submitters: Uncertain significance (1); Likely benign (1). Last evaluated 2020-02-06.

Conditions:
Dilated cardiomyopathy 1G (CMD1G). Identifiers: Orphanet 154, MedGen C1858763, MONDO:0011400, OMIM 604145.
Autosomal recessive limb-girdle muscular dystrophy type 2J (LGMDR10). Also called: Limb-girdle muscular dystrophy, type 2J; MUSCULAR DYSTROPHY, LIMB-GIRDLE, AUTOSOMAL RECESSIVE 10. Identifiers: Orphanet 140922, MedGen C1837342, MONDO:0012127, OMIM 608807.

Allele frequency attached by ClinVar (database versions not stated): gnomAD 0.00003 and 0.00004; gnomAD exomes 0.00003 and 0.00006; TOPMed 0.00003; ExAC 0.00004; 1000 Genomes Project 0.00020; 1000 Genomes Project 30x 0.00031.
gnomAD v4.1: 58 of 1,614,026 alleles (0.0036%); highest among the groups gnomAD compares: Admixed American, 0.01%; 1 homozygote.

Submissions (2):

GeneDx
Classification: Likely benign. Last evaluated: 2020-02-06. Review status: criteria provided, single submitter. Criteria: GeneDx Variant Classification Process June 2021. Collection method: clinical testing. Allele origin: germline. Affected: yes.
Comment: This variant is associated with the following publications: (PMID: 32880476)

Labcorp Genetics (formerly Invitae), Labcorp
Classification: Uncertain significance for Dilated cardiomyopathy 1G; Autosomal recessive limb-girdle muscular dystrophy type 2J. Last evaluated: 2016-12-13. Review status: criteria provided, single submitter. Criteria: Invitae Variant Classification Sherloc (09022015). Collection method: clinical testing. Allele origin: germline.